The following is an entry in ClinVar:

NM_006785.4(MALT1):c.824A>G (p.Tyr275Cys)

Gene: MALT1 (MALT1 paracaspase; plus strand). Cytogenetic location: 18q21.32.
Variant type: single nucleotide variant.
Coding change: c.824A>G on transcript NM_006785.4 (MANE Select); coding-DNA position 824, A replaced by G.
Protein change: p.Tyr275Cys; replaces tyrosine 275 with cysteine.
Molecular consequence: missense variant.
Genome position (GRCh38, 1-based): chr18:58,709,552, A>G. VCF-style: chr18-58709552-A-G. GRCh37 (hg19) VCF-style: chr18-56376784-A-G.
Other names: c.824A>G, p.Tyr275Cys (LRG_1221t1, NM_173844.3); short protein forms Y275C.
Identifiers: ClinVar variation 541508 (VCV000541508.9), dbSNP rs145169756, ClinGen allele CA8977712.

ClinVar aggregate classification (germline): Uncertain significance. Review status: criteria provided, multiple submitters, no conflicts (2 of 4 stars). 2 submissions from 2 submitters: Uncertain significance (2). Last evaluated 2022-07-31.

Conditions:
Combined immunodeficiency due to MALT1 deficiency. Also called: Immunodeficiency 12. Identifiers: Orphanet 397964, MedGen C3809583, MONDO:0014197, OMIM 615468.

Allele frequency attached by ClinVar (database versions not stated): gnomAD exomes 0.00003 and 0.00011; 1000 Genomes Project 30x 0.00016; ExAC 0.00016; 1000 Genomes Project 0.00020; ESP Exome Variant Server 0.00038; gnomAD 0.00038 and 0.00041; TOPMed 0.00051.
gnomAD v4.1: 106 of 1,598,952 alleles (0.0066%); highest among the groups gnomAD compares: African/African-American, 0.11%; no homozygotes.

Submissions (2):

Labcorp Genetics (formerly Invitae), Labcorp
Classification: Uncertain significance for Combined immunodeficiency due to MALT1 deficiency. Last evaluated: 2022-07-31. Review status: criteria provided, single submitter. Criteria: Invitae Variant Classification Sherloc (09022015). Collection method: clinical testing. Allele origin: germline.
Comment: This sequence change replaces tyrosine, which is neutral and polar, with cysteine, which is neutral and slightly polar, at codon 275 of the MALT1 protein (p.Tyr275Cys). This variant is present in population databases (rs145169756, gnomAD 0.1%). This variant has not been reported in the literature in individuals affected with MALT1-related conditions. ClinVar contains an entry for this variant (Variation ID: 541508). Algorithms developed to predict the effect of missense changes on protein structure and function (SIFT, PolyPhen-2, Align-GVGD) all suggest that this variant is likely to be tolerated. In summary, the available evidence is currently insufficient to determine the role of this variant in disease. Therefore, it has been classified as a Variant of Uncertain Significance.

Fulgent Genetics
Classification: Uncertain significance for Combined immunodeficiency due to MALT1 deficiency. Last evaluated: 2021-07-31. Review status: criteria provided, single submitter. Criteria: ACMG Guidelines, 2015. Collection method: clinical testing. Allele origin: unknown.